The following is an entry in ClinVar:

NM_006129.5(BMP1):c.33_44del (p.Gly12_Leu15del)

Genes: BMP1 (bone morphogenetic protein 1; plus strand), LOC129999976 (ATAC-STARR-seq lymphoblastoid silent region 18982; plus strand). Cytogenetic location: 8p21.3.
Variant type: Deletion.
Coding change: c.33_44del on transcript NM_006129.5 (MANE Select); coding-DNA positions 33 to 44, 12 bases deleted (CGGGCTGCTGCT).
Protein change: p.Gly12_Leu15del.
Molecular consequence: non-coding transcript variant (on NR_033403.2).
Genome position (GRCh38, 1-based): chr8:22,165,438-22,165,449, CGGGCTGCTGCT deleted; deleting any 12 consecutive bases within chr8:22,165,429-22,165,449 gives the same sequence; the c. name uses the placement nearest the transcript's 3' end. VCF-style (leftmost placement, unchanged base first): chr8-22165428-CGCTGCTGCTCGG-C. GRCh37 (hg19) VCF-style: chr8-22022941-CGCTGCTGCTCGG-C.
Other names: c.33_44del, p.Gly12_Leu15del (NM_001199.4); c.33_44del12 (NM_006129.5).
Identifiers: ClinVar variation 3639674 (VCV003639674.5).

ClinVar aggregate classification (germline): Pathogenic. Review status: criteria provided, multiple submitters, no conflicts (2 of 4 stars). 2 submissions from 2 submitters: Pathogenic (2). Last evaluated 2025-07-15.

Conditions:
Osteogenesis imperfecta (OI). Identifiers: Orphanet 666, MedGen C0029434, MeSH D010013, MONDO:0019019.

Submissions (2):

Women's Health and Genetics/Laboratory Corporation of America, LabCorp
Classification: Pathogenic for Osteogenesis imperfecta. Last evaluated: 2025-07-15. Review status: criteria provided, single submitter. Criteria: LabCorp Variant Classification Summary - May 2015. Collection method: clinical testing. Allele origin: germline.
Comment: Variant summary: BMP1 c.33_44del12 (p.Gly12_Leu15del) results in an in-frame deletion that is predicted to remove four amino acids from the encoded protein. The variant was absent in 168982 control chromosomes. To our knowledge, no occurrence of c.33_44del12 in individuals affected with Osteogenesis Imperfecta and no experimental evidence demonstrating its impact on protein function have been reported. A different missense variant within the deleted region has been classified as likely pathogenic/pathogenic by our lab (c.34G>C, p.Gly12Arg), supporting the critical relevance of codon 12 to BMP1 protein function. ClinVar contains an entry for this variant (Variation ID: 3639674). Based on the evidence outlined above, the variant was classified as pathogenic.

Labcorp Genetics (formerly Invitae), Labcorp
Classification: Pathogenic. Last evaluated: 2024-02-08. Review status: criteria provided, single submitter. Criteria: Invitae Variant Classification Sherloc (09022015). Collection method: clinical testing. Allele origin: germline.
Comment: This variant, c.33_44del, results in the deletion of 4 amino acid(s) of the BMP1 protein (p.Gly12_Leu15del), but otherwise preserves the integrity of the reading frame. This variant is not present in population databases (gnomAD no frequency). This variant has not been reported in the literature in individuals affected with BMP1-related conditions. This variant disrupts a region of the BMP1 protein in which other variant(s) (p.Gly12Arg) have been determined to be pathogenic (PMID: 22482805, 24091809, 29499418). This suggests that this is a clinically significant region of the protein, and that variants that disrupt it are likely to be disease-causing. For these reasons, this variant has been classified as Pathogenic.

Literature cited by the submitters: PubMed 22482805 (cited by Labcorp Genetics (formerly Invitae), Labcorp); PubMed 24091809 (cited by Labcorp Genetics (formerly Invitae), Labcorp); PubMed 29499418 (cited by Labcorp Genetics (formerly Invitae), Labcorp).